The following is an entry in ClinVar:

ClinVar aggregate classification (germline): Likely benign (0 of 4 stars; one submission).

Conditions:
TBX3-related disorder. Also called: TBX3-related condition.

Submission:

PreventionGenetics, part of Exact Sciences
Classification: Likely benign for TBX3-related condition. Last evaluated: 2024-03-26. Review status: no assertion criteria provided. Collection method: clinical testing. Allele origin: germline.
Comment: This variant is classified as likely benign based on ACMG/AMP sequence variant interpretation guidelines (Richards et al. 2015 PMID: 25741868, with internal and published modifications).

NC_000012.12:g.114684349C>T

Genes: TBX3 (T-box transcription factor 3; minus strand), TBX3-AS1 (TBX3 antisense RNA 1; plus strand), LOC109286556 (TBX3 promoter region; plus strand). Cytogenetic location: 12q24.21.
Variant type: single nucleotide variant.
Genome position: GRCh38 VCF-style: chr12-114684349-C-T. GRCh37 (hg19) VCF-style: chr12-115122154-C-T.
Identifiers: ClinVar variation 3351584 (VCV003351584.1).